The following is an entry in ClinVar:

NM_000219.6(KCNE1):c.-464G>A

Gene: KCNE1 (potassium voltage-gated channel subfamily E regulatory subunit 1; minus strand). Cytogenetic location: 21q22.12.
Variant type: single nucleotide variant.
Coding change: c.-464G>A on transcript NM_000219.6 (MANE Select); 464 bases upstream of the start codon, G replaced by A.
Molecular consequence: 5 prime UTR variant.
Genome position (GRCh38, 1-based): chr21:34,512,114, C>T on the plus strand (G>A on the coding strand, the complement: KCNE1 is on the minus strand). VCF-style: chr21-34512114-C-T. GRCh37 (hg19) VCF-style: chr21-35884412-C-T.
Identifiers: ClinVar variation 339785 (VCV000339785.7), dbSNP rs4817670, ClinGen allele CA10644599.

ClinVar aggregate classification (germline): Benign. Review status: criteria provided, multiple submitters, no conflicts (2 of 4 stars). 3 submissions from 2 submitters: Benign (3). Last evaluated 2018-01-13.

Conditions:
Long QT syndrome 5 (LQT5). Identifiers: Orphanet 101016, Orphanet 768, MedGen C1867904, MONDO:0013372, OMIM 613695.
Jervell and Lange-Nielsen syndrome 2 (JLNS2). Identifiers: Orphanet 768, Orphanet 90647, MedGen C2676723, MONDO:0012871, OMIM 612347.

Allele frequency attached by ClinVar (database versions not stated): gnomAD 0.00871 and 0.01079; TOPMed 0.01405; 1000 Genomes Project 30x 0.03279; 1000 Genomes Project 0.03395.

Submissions (3):

Illumina Laboratory Services, Illumina
Classification: Benign for Long QT syndrome 5. Last evaluated: 2018-01-13. Review status: criteria provided, single submitter. Criteria: ICSL Variant Classification Criteria 13 December 2019. Collection method: clinical testing. Allele origin: germline.
Comment: This variant was observed in the ICSL laboratory as part of a predisposition screen in an ostensibly healthy population. It had not been previously curated by ICSL or reported in the Human Gene Mutation Database (HGMD: prior to June 1st, 2018), and was therefore a candidate for classification through an automated scoring system. Utilizing variant allele frequency, disease prevalence and penetrance estimates, and inheritance mode, an automated score was calculated to assess if this variant is too frequent to cause the disease. Based on the score and internal cut-off values, a variant classified as benign is not then subjected to further curation. The score for this variant resulted in a classification of benign for this disease.

Illumina Laboratory Services, Illumina
Classification: Benign for Jervell and Lange-Nielsen syndrome 2. Last evaluated: 2018-01-13. Review status: criteria provided, single submitter. Criteria: ICSL Variant Classification Criteria 13 December 2019. Collection method: clinical testing. Allele origin: germline.
Comment: the same text as in the submission from Illumina Laboratory Services, Illumina above.

Breakthrough Genomics
Classification: Benign. Review status: criteria provided, single submitter. Criteria: ACMG Guidelines, 2015. Collection method: not provided. Allele origin: germline. Inheritance: Autosomal recessive inheritance. Affected: yes.